The following is an entry in ClinVar:

ClinVar aggregate classification (germline): Uncertain significance (1 of 4 stars; one submission).

Submission:

Labcorp Genetics (formerly Invitae), Labcorp
Classification: Uncertain significance. Last evaluated: 2023-02-20. Review status: criteria provided, single submitter. Criteria: Invitae Variant Classification Sherloc (09022015). Collection method: clinical testing. Allele origin: germline.
Comment: In summary, the available evidence is currently insufficient to determine the role of this variant in disease. Therefore, it has been classified as a Variant of Uncertain Significance. Advanced modeling of protein sequence and biophysical properties (such as structural, functional, and spatial information, amino acid conservation, physicochemical variation, residue mobility, and thermodynamic stability) performed at Invitae indicates that this missense variant is not expected to disrupt PDZD7 protein function. ClinVar contains an entry for this variant (Variation ID: 1064075). This variant has not been reported in the literature in individuals affected with PDZD7-related conditions. This variant is not present in population databases (gnomAD no frequency). This sequence change replaces alanine, which is neutral and non-polar, with serine, which is neutral and polar, at codon 704 of the PDZD7 protein (p.Ala704Ser).

NM_001195263.2(PDZD7):c.2110G>T (p.Ala704Ser)

Gene: PDZD7 (PDZ domain containing 7; minus strand). Cytogenetic location: 10q24.31.
Variant type: single nucleotide variant.
Coding change: c.2110G>T on transcript NM_001195263.2 (MANE Select); coding-DNA position 2110, G replaced by T.
Protein change: p.Ala704Ser; replaces alanine 704 with serine.
Molecular consequence: missense variant.
Genome position (GRCh38, 1-based): chr10:101,010,779, C>A on the plus strand (G>T on the coding strand, the complement: PDZD7 is on the minus strand). VCF-style: chr10-101010779-C-A. GRCh37 (hg19) VCF-style: chr10-102770536-C-A.
Other names: short protein forms A704S.
Identifiers: ClinVar variation 1064075 (VCV001064075.8), dbSNP rs2134000192, ClinGen allele CA378225212.